The following is an entry in ClinVar:

NM_018685.5(ANLN):c.3229A>G (p.Arg1077Gly)

Gene: ANLN (anillin, actin binding protein; plus strand). Cytogenetic location: 7p14.2.
Variant type: single nucleotide variant.
Coding change: c.3229A>G on transcript NM_018685.5 (MANE Select); coding-DNA position 3229, A replaced by G.
Protein change: p.Arg1077Gly; replaces arginine 1077 with glycine.
Molecular consequence: missense variant.
Genome position (GRCh38, 1-based): chr7:36,449,815, A>G. VCF-style: chr7-36449815-A-G. GRCh37 (hg19) VCF-style: chr7-36489424-A-G.
Other names: c.3118A>G, p.Arg1040Gly (NM_001284301.3); c.3115A>G, p.Arg1039Gly (NM_001284302.3); short protein forms R1039G, R1040G, R1077G.
Identifiers: ClinVar variation 1049339 (VCV001049339.1), dbSNP rs2116835878, ClinGen allele CA367200843.

ClinVar aggregate classification (germline): Uncertain significance (0 of 4 stars; one submission).

Submission:

Department of Pathology and Laboratory Medicine, Sinai Health System
Classification: Uncertain significance. Review status: no assertion criteria provided. Collection method: clinical testing. Allele origin: unknown. Affected: yes. Study: The Canadian Open Genetics Repository (COGR).
Comment: The ANLN p.Arg1040Gly variant was not identified in the literature nor was it identified in dbSNP, ClinVar or in the following control databases: the 1000 Genomes Project, the NHLBI GO Exome Sequencing Project, or the Genome Aggregation Database (March 6, 2019, v2.1.1). The p.Arg1040 residue is conserved in mammals and computational analyses (PolyPhen-2, SIFT, AlignGVGD, BLOSUM, MutationTaster) provide inconsistent predictions regarding the impact to the protein; this information is not very predictive of pathogenicity. The variant occurs outside of the splicing consensus sequence and in silico or computational prediction software programs (SpliceSiteFinder, MaxEntScan, NNSPLICE, GeneSplicer) do not predict a difference in splicing. In summary, based on the above information the clinical significance of this variant cannot be determined with certainty at this time. This variant is classified as a variant of uncertain significance.